The following is an entry in ClinVar:

NM_000545.8(HNF1A):c.1637A>C (p.Asp546Ala)

Gene: HNF1A (HNF1 homeobox A; plus strand). Cytogenetic location: 12q24.31.
Variant type: single nucleotide variant.
Coding change: c.1637A>C on transcript NM_000545.8 (MANE Select); coding-DNA position 1637, A replaced by C.
Protein change: p.Asp546Ala; replaces aspartic acid 546 with alanine.
Molecular consequence: missense variant.
Genome position (GRCh38, 1-based): chr12:120,999,496, A>C. VCF-style: chr12-120999496-A-C. GRCh37 (hg19) VCF-style: chr12-121437299-A-C.
Other names: NM_000545.8(HNF1A):c.1637A>C; p.Asp546Ala; c.1658A>C, p.Asp553Ala (NM_001306179.2); short protein forms D546A, D553A.
Identifiers: ClinVar variation 994542 (VCV000994542.19), dbSNP rs984428675, ClinGen allele CA244536194.

ClinVar aggregate classification (germline): Uncertain significance. Review status: reviewed by expert panel (3 of 4 stars). 5 submissions from 5 submitters: Uncertain significance (1). 4 of the submissions do not count toward it. Last evaluated 2024-11-27.

Conditions:
Monogenic diabetes. Identifiers: Orphanet 183625, MedGen C3888631, MONDO:0015967.
Maturity-onset diabetes of the young type 3. Also called: MODY type 3; MODY, type III. Identifiers: Orphanet 552, MedGen C1838100, MeSH C563933, MONDO:0010894, OMIM 600496. Disease mechanism: loss of function.
Diabetes mellitus type 1 (T1D). Also called: Diabetes Mellitus, Juvenile-Onset; Type I diabetes mellitus. Identifiers: MedGen C0011854, MONDO:0005147, OMIM 222100, HP:0100651.
Type 2 diabetes mellitus. Also called: Type II diabetes mellitus. Identifiers: MedGen C0011860, MeSH D003924, MONDO:0005148, OMIM 125853, HP:0005978.
Hepatic adenomas, familial. Also called: LIVER CELL ADENOMAS, FAMILIAL; HEPATIC ADENOMA, SOMATIC. Identifiers: MedGen C1840646, MONDO:0007718, OMIM 142330.
Type 1 diabetes mellitus 20 (T1D20). Also called: Diabetes mellitus, insulin-dependent, 20. Identifiers: MedGen C2675866, MONDO:0012919, OMIM 612520.
Nonpapillary renal cell carcinoma. Identifiers: Orphanet 422526, MedGen CN074294, MONDO:0007763, OMIM 144700.
Maturity-onset diabetes of the young (MODY). Also called: Maturity onset diabetes mellitus in young. Identifiers: Orphanet 552, MedGen C0342276, MONDO:0018911, HP:0004904.

Allele frequency attached by ClinVar (database versions not stated): gnomAD 0.00001; gnomAD exomes 0.00001; TOPMed 0.00001.
gnomAD v4.1: 9 of 1,613,560 alleles (0.00056%); highest among the groups gnomAD compares: African/African-American, 0.004%; no homozygotes.

Submissions (5):

ClinGen Monogenic Diabetes Variant Curation Expert Panel
Classification: Uncertain significance for Monogenic diabetes. Last evaluated: 2024-11-27. Review status: reviewed by expert panel. Criteria: ClinGen Diabetes ACMG Specifications HNF1A V2.1.0. Collection method: curation. Allele origin: germline. Inheritance: Autosomal dominant inheritance.
Comment: The c.1637A>C variant in the HNF1 homeobox A gene, HNF1A, causes an amino acid change of aspartic acid to alanine at codon 546 (p.(Asp546Ala)) of NM_000545.8. This variant has an incomputable gnomAD v2.1.1 Grpmax filtering allele frequency due to 1 copy in the European non-Finnish subpopulation and 1 copy in the African/African American subpopulation, thereby meeting the ClinGen MDEP threshold criteria for PM2_Supporting (ENF Popmax FAF <= 0.000003 and <= 2 copies in ENF and <=1 copy in any other subpopulation) (PM2_Supporting). This variant has a REVEL score of 0.625, which is between the ClinGen MDEP thresholds for BP4 and PP3, predicting neither a damaging nor benign impact on HNF1A function. This variant was identified in an individual with an alternate molecular basis for disease (BP5; internal lab contributors). Another missense variant at this codon, c.1637A>G p.(Asp546Gly), has been classified as a VUS by the ClinGen MDEP; therefore, PM5 will not be applied. In summary, c.1637A>C meets the criteria to be classified as a variant of uncertain significance for monogenic diabetes. ACMG/AMP criteria applied, as specified by the ClinGen MDEP (specification version 2.1.0, approved 8/11/2023): PM2_Supporting, BP5.

Labcorp Genetics (formerly Invitae), Labcorp
Classification: Uncertain significance. Last evaluated: 2024-07-29. Review status: criteria provided, single submitter. Criteria: Invitae Variant Classification Sherloc (09022015). Collection method: clinical testing. Allele origin: germline. Not counted in ClinVar's aggregate classification.
Comment: This sequence change replaces aspartic acid, which is acidic and polar, with alanine, which is neutral and non-polar, at codon 546 of the HNF1A protein (p.Asp546Ala). This variant is present in population databases (no rsID available, gnomAD 0.007%). This variant has not been reported in the literature in individuals affected with HNF1A-related conditions. ClinVar contains an entry for this variant (Variation ID: 994542). Advanced modeling of protein sequence and biophysical properties (such as structural, functional, and spatial information, amino acid conservation, physicochemical variation, residue mobility, and thermodynamic stability) performed at Invitae indicates that this missense variant is expected to disrupt HNF1A protein function with a positive predictive value of 95%. In summary, the available evidence is currently insufficient to determine the role of this variant in disease. Therefore, it has been classified as a Variant of Uncertain Significance.

Fulgent Genetics
Classification: Uncertain significance for Type 2 diabetes mellitus; Hepatic adenomas, familial; Nonpapillary renal cell carcinoma; Diabetes mellitus type 1; Maturity-onset diabetes of the young type 3; Type 1 diabetes mellitus 20. Last evaluated: 2022-02-17. Review status: criteria provided, single submitter. Criteria: ACMG Guidelines, 2015. Collection method: clinical testing. Allele origin: unknown. Not counted in ClinVar's aggregate classification.

Athena Diagnostics
Classification: Uncertain significance. Last evaluated: 2019-10-18. Review status: criteria provided, single submitter. Criteria: Athena Diagnostics Criteria. Collection method: clinical testing. Allele origin: unknown. Not counted in ClinVar's aggregate classification.

Clinical Genomics, Uppaluri K&H Personalized Medicine Clinic
Classification: Uncertain risk allele for Maturity-onset diabetes of the young. Review status: criteria provided, single submitter. Criteria: K & H Uppaluri Personalized Medicine Clinic Variant Classification & Assertion Criteria_Updated V.1. Collection method: research. Allele origin: unknown. Inheritance: Autosomal dominant inheritance. Not counted in ClinVar's aggregate classification.
Comment: Mutations in HNF1A gene can predispose to MODY3. It is associated with both micro and macrovascular complications of diabetes, especially cardiovascular complications. Associated with glucosuria. May respond well to sulfonylureas. However, more evidence is required to confer the association of this particular variant rs984428675 with MODY3.

Literature cited by the submitters: PubMed 31517624 (cited by Clinical Genomics, Uppaluri K&H Personalized Medicine Clinic); PubMed 32395877 (cited by Clinical Genomics, Uppaluri K&H Personalized Medicine Clinic); PubMed 35328643 (cited by Clinical Genomics, Uppaluri K&H Personalized Medicine Clinic); PubMed 35673428 (cited by Clinical Genomics, Uppaluri K&H Personalized Medicine Clinic).